The following is an entry in ClinVar:

NM_000052.7(ATP7A):c.1956dup (p.Ser653fs)

Gene: ATP7A (ATPase copper transporting alpha; plus strand). Cytogenetic location: Xq21.1.
Variant type: Duplication.
Coding change: c.1956dup on transcript NM_000052.7 (MANE Select); coding-DNA position 1956, one base duplicated (G; older notation c.1956dupG).
Protein change: p.Ser653fs; shifts the reading frame from serine 653.
Molecular consequence: frameshift variant.
Genome position (GRCh38, 1-based): chrX:78,011,458, G duplicated; the last of 2 consecutive G bases (chrX:78,011,457-78,011,458); duplicating either gives the same sequence. VCF-style (leftmost placement, unchanged base first): chrX-78011456-C-CG. GRCh37 (hg19) VCF-style: chrX-77266953-C-CG.
Other names: c.1956dup, p.Ser653fs (NM_001282224.2); short protein forms S653fs.
Identifiers: ClinVar variation 5012064 (VCV005012064.1).

ClinVar aggregate classification (germline): Pathogenic (1 of 4 stars; one submission).

Conditions:
Menkes kinky-hair syndrome (MNK). Also called: Menkes Disease; Classic Menkes Disease; Copper transport disease. Identifiers: Orphanet 565, MedGen C0022716, MONDO:0010651, OMIM 309400.

Submission:

Myriad Genetics, Inc.
Classification: Pathogenic for Menkes kinky-hair syndrome. Last evaluated: 2023-09-27. Review status: criteria provided, single submitter. Criteria: Myriad Autosomal Dominant, Autosomal Recessive and X-Linked Classification Criteria (2023). Collection method: clinical testing. Allele origin: unknown.
Comment: NM_000052.5(ATP7A):c.1956dupG(S653Vfs*32) is expected to be pathogenic in the context of ATP7A-related disorders. This variant is predicted to lead to an abnormal or absent protein product due to the creation of a premature termination codon in ATP7A, a gene where loss-of-function variants are known to be pathogenic. Please note: this variant was assessed in the context of healthy population screening.